The following is an entry in ClinVar:

NM_201253.3(CRB1):c.2582A>C (p.Asn861Thr)

Gene: CRB1 (crumbs cell polarity complex component 1; plus strand). Cytogenetic location: 1q31.3.
Variant type: single nucleotide variant.
Coding change: c.2582A>C on transcript NM_201253.3 (MANE Select); coding-DNA position 2582, A replaced by C.
Protein change: p.Asn861Thr; replaces asparagine 861 with threonine.
Molecular consequence: missense variant. On other transcripts: non-coding transcript variant (2), intron variant (1).
Genome position (GRCh38, 1-based): chr1:197,427,907, A>C. VCF-style: chr1-197427907-A-C. GRCh37 (hg19) VCF-style: chr1-197397037-A-C.
Other names: c.2246A>C, p.Asn749Thr (NM_001193640.2); c.2375A>C, p.Asn792Thr (NM_001257965.2); c.2128+5951A>C (NM_001257966.2); short protein forms N749T, N861T, N792T.
Identifiers: ClinVar variation 972252 (VCV000972252.9), dbSNP rs1664679702, ClinGen allele CA344038389.

ClinVar aggregate classification (germline): Uncertain significance (1 of 4 stars; one submission).

Conditions:
Retinitis pigmentosa 12 (RP12). Also called: RP WITH OR WITHOUT PPRPE; RP WITH OR WITHOUT PRESERVED PARAARTERIOLE RETINAL PIGMENT EPITHELIUM; RETINITIS PIGMENTOSA WITH OR WITHOUT PARAARTERIOLAR PRESERVATION OF RETINAL PIGMENT EPITHELIUM. Identifiers: Orphanet 791, MedGen C1838647, MONDO:0010818, OMIM 600105.
Leber congenital amaurosis 8 (LCA8). Identifiers: Orphanet 65, MedGen C3151202, MONDO:0013453, OMIM 613835.

Allele frequency attached by ClinVar (database versions not stated): gnomAD exomes below 0.00001.
gnomAD v4.1: 6 of 1,614,036 alleles (0.00037%); highest among the groups gnomAD compares: Non-Finnish European, 0.00051%; no homozygotes.

Submission:

Labcorp Genetics (formerly Invitae), Labcorp
Classification: Uncertain significance for Leber congenital amaurosis 8; Retinitis pigmentosa 12. Last evaluated: 2024-10-29. Review status: criteria provided, single submitter. Criteria: Invitae Variant Classification Sherloc (09022015). Collection method: clinical testing. Allele origin: germline.
Comment: This sequence change replaces asparagine, which is neutral and polar, with threonine, which is neutral and polar, at codon 861 of the CRB1 protein (p.Asn861Thr). This variant is not present in population databases (gnomAD no frequency). This variant has not been reported in the literature in individuals affected with CRB1-related conditions. ClinVar contains an entry for this variant (Variation ID: 972252). An algorithm developed to predict the effect of missense changes on protein structure and function outputs the following: PolyPhen-2: "Benign". The threonine amino acid residue is found in multiple mammalian species, which suggests that this missense change does not adversely affect protein function. In summary, the available evidence is currently insufficient to determine the role of this variant in disease. Therefore, it has been classified as a Variant of Uncertain Significance.